The following is an entry in ClinVar:

NM_003919.3(SGCE):c.1186G>A (p.Glu396Lys)

Genes: CASD1 (CAS1 domain sialic acid O acetyltransferase 1; plus strand), SGCE (sarcoglycan epsilon; minus strand). Cytogenetic location: 7q21.3.
Variant type: single nucleotide variant.
Coding change: c.1186G>A on transcript NM_003919.3 (MANE Select); coding-DNA position 1186, G replaced by A.
Protein change: p.Glu396Lys; replaces glutamic acid 396 with lysine.
Molecular consequence: missense variant.
Genome position (GRCh38, 1-based): chr7:94,598,842, C>T on the plus strand (G>A on the coding strand, the complement: SGCE is on the minus strand). VCF-style: chr7-94598842-C-T. GRCh37 (hg19) VCF-style: chr7-94228154-C-T.
Other names: c.1159G>A, p.Glu387Lys (NM_001099400.2, NM_001346717.2); c.1186G>A, p.Glu396Lys (NM_001099401.2); c.1063G>A, p.Glu355Lys (NM_001301139.2); c.1294G>A, p.Glu432Lys (NM_001346713.2); c.1267G>A, p.Glu423Lys (NM_001346715.2); c.1099G>A, p.Glu367Lys (NM_001346719.2); c.913G>A, p.Glu305Lys (NM_001346720.2); c.1072G>A, p.Glu358Lys (NM_001362807.2); and 2 more; short protein forms E296K, E305K, E346K, E355K, E358K, E367K, E387K, E396K.
Identifiers: ClinVar variation 1022455 (VCV001022455.10), dbSNP rs781781262, ClinGen allele CA368228952.

ClinVar aggregate classification (germline): Uncertain significance (1 of 4 stars; one submission).

Conditions:
Myoclonic dystonia 11 (DYT11). Also called: SGCE Myoclonus-Dystonia; Myoclonus-Dystonia; Myoclonic dystonia; Dystonia 11; Dystonia, alcohol responsive; Hereditary essential myoclonus. Identifiers: Orphanet 36899, MedGen C1834570, MONDO:0008044, OMIM 159900.

Allele frequency attached by ClinVar (database versions not stated): gnomAD exomes 0.00001.
gnomAD v4.1: 14 of 1,613,128 alleles (0.00087%); highest among the groups gnomAD compares: Non-Finnish European, 0.0012%; no homozygotes.

Submission:

Labcorp Genetics (formerly Invitae), Labcorp
Classification: Uncertain significance for Myoclonic dystonia 11. Last evaluated: 2024-10-09. Review status: criteria provided, single submitter. Criteria: Invitae Variant Classification Sherloc (09022015). Collection method: clinical testing. Allele origin: germline.
Comment: This sequence change replaces glutamic acid, which is acidic and polar, with lysine, which is basic and polar, at codon 396 of the SGCE protein (p.Glu396Lys). This variant is not present in population databases (gnomAD no frequency). This variant has not been reported in the literature in individuals affected with SGCE-related conditions. ClinVar contains an entry for this variant (Variation ID: 1022455). Invitae Evidence Modeling of protein sequence and biophysical properties (such as structural, functional, and spatial information, amino acid conservation, physicochemical variation, residue mobility, and thermodynamic stability) indicates that this missense variant is not expected to disrupt SGCE protein function with a negative predictive value of 80%. In summary, the available evidence is currently insufficient to determine the role of this variant in disease. Therefore, it has been classified as a Variant of Uncertain Significance.